The following is an entry in ClinVar:

ClinVar aggregate classification (germline): Pathogenic (1 of 4 stars; one submission).

Conditions:
Developmental and epileptic encephalopathy, 23 (DEE23). Also called: Epileptic encephalopathy, early infantile, 23. Identifiers: Orphanet 411986, MedGen C4014492, MONDO:0014371, OMIM 615859.

Allele frequency attached by ClinVar (database versions not stated): gnomAD exomes below 0.00001; TOPMed 0.00001.
gnomAD v4.1: 3 of 1,613,828 alleles (0.00019%); highest among the groups gnomAD compares: Non-Finnish European, 0.00017%; no homozygotes.

Submission:

Labcorp Genetics (formerly Invitae), Labcorp
Classification: Pathogenic for Developmental and epileptic encephalopathy, 23. Last evaluated: 2021-09-05. Review status: criteria provided, single submitter. Criteria: Invitae Variant Classification Sherloc (09022015). Collection method: clinical testing. Allele origin: germline.
Comment: This sequence change creates a premature translational stop signal (p.Arg895*) in the DOCK7 gene. It is expected to result in an absent or disrupted protein product. Loss-of-function variants in DOCK7 are known to be pathogenic (PMID: 24814191). This variant is not present in population databases (ExAC no frequency). This variant has not been reported in the literature in individuals affected with DOCK7-related conditions. For these reasons, this variant has been classified as Pathogenic.

Literature cited by the submitters: PubMed 24814191.

NM_001367561.1(DOCK7):c.2683C>T (p.Arg895Ter)

Gene: DOCK7 (dedicator of cytokinesis 7; minus strand). Cytogenetic location: 1p31.3.
Variant type: single nucleotide variant.
Coding change: c.2683C>T on transcript NM_001367561.1 (MANE Select); coding-DNA position 2683, C replaced by T.
Protein change: p.Arg895Ter; replaces arginine 895 with a stop codon.
Molecular consequence: nonsense.
Genome position (GRCh38, 1-based): chr1:62,552,815, G>A on the plus strand (C>T on the coding strand, the complement: DOCK7 is on the minus strand). VCF-style: chr1-62552815-G-A. GRCh37 (hg19) VCF-style: chr1-63018486-G-A.
Other names: c.2683C>T, p.Arg895Ter (NM_001271999.2, NM_001272000.2, NM_001272001.2 and 2 more transcripts); short protein forms R895*.
Identifiers: ClinVar variation 1449770 (VCV001449770.6), dbSNP rs1450310137, ClinGen allele CA340620365.
Genomic context (GRCh38, chr1:62,552,815, plus strand): 5'-CTTCATCATCTGGTGACGTGGGAGTCCCAGATATATCTGGATTGCTATTACTAAGGCTTC[G>A]AGAACGATTTAAATTAAGGCTTGCAGGTCTCACCGCAGATCTAGCCATTGTGGCATAATG-3'